The following is an entry in ClinVar:

ClinVar aggregate classification (germline): Uncertain significance. Review status: criteria provided, multiple submitters, no conflicts (2 of 4 stars). 2 submissions from 2 submitters: Uncertain significance (2). Last evaluated 2025-12-30.

Conditions:
Hereditary cancer-predisposing syndrome. Also called: Neoplastic Syndromes, Hereditary; Tumor predisposition; Hereditary Cancer Syndrome; Hereditary neoplastic syndrome. Identifiers: Orphanet 140162, MedGen C0027672, MeSH D009386, MONDO:0015356.
Gorlin syndrome. Also called: Basal cell nevus syndrome; Nevoid Basal Cell Carcinoma Syndrome. Identifiers: Orphanet 377, MedGen C0004779, MONDO:0007187.

Submissions (2):

Ambry Genetics
Classification: Uncertain significance for Hereditary cancer-predisposing syndrome. Last evaluated: 2025-12-30. Review status: criteria provided, single submitter. Criteria: Ambry Variant Classification Scheme 2023. Collection method: clinical testing. Allele origin: germline.
Comment: The p.T1259I variant (also known as c.3776C>T), located in coding exon 22 of the PTCH1 gene, results from a C to T substitution at nucleotide position 3776. The threonine at codon 1259 is replaced by isoleucine, an amino acid with similar properties. This amino acid position is not well conserved in available vertebrate species. In addition, the in silico prediction for this alteration is inconclusive. Based on the available evidence, the clinical significance of this variant remains unclear.

Labcorp Genetics (formerly Invitae), Labcorp
Classification: Uncertain significance for Gorlin syndrome. Last evaluated: 2021-02-05. Review status: criteria provided, single submitter. Criteria: Invitae Variant Classification Sherloc (09022015). Collection method: clinical testing. Allele origin: germline.
Comment: In summary, the available evidence is currently insufficient to determine the role of this variant in disease. Therefore, it has been classified as a Variant of Uncertain Significance. Advanced modeling of protein sequence and biophysical properties (such as structural, functional, and spatial information, amino acid conservation, physicochemical variation, residue mobility, and thermodynamic stability) performed at Invitae indicates that this missense variant is not expected to disrupt PTCH1 protein function. This variant has not been reported in the literature in individuals with PTCH1-related conditions. This variant is not present in population databases (ExAC no frequency). This sequence change replaces threonine with isoleucine at codon 1259 of the PTCH1 protein (p.Thr1259Ile). The threonine residue is weakly conserved and there is a moderate physicochemical difference between threonine and isoleucine.

NM_000264.5(PTCH1):c.3776C>T (p.Thr1259Ile)

Gene: PTCH1 (patched 1; minus strand). Cytogenetic location: 9q22.32.
Variant type: single nucleotide variant.
Coding change: c.3776C>T on transcript NM_000264.5 (MANE Select); coding-DNA position 3776, C replaced by T.
Protein change: p.Thr1259Ile; replaces threonine 1259 with isoleucine.
Molecular consequence: missense variant. On other transcripts: non-coding transcript variant (1).
Genome position (GRCh38, 1-based): chr9:95,449,097, G>A on the plus strand (C>T on the coding strand, the complement: PTCH1 is on the minus strand). VCF-style: chr9-95449097-G-A. GRCh37 (hg19) VCF-style: chr9-98211379-G-A.
Other names: c.3323C>T, p.Thr1108Ile (NM_001083606.3, NM_001083607.3, NM_001083604.3 and 1 more transcripts); c.3620C>T, p.Thr1207Ile (NM_001354918.2); c.3578C>T, p.Thr1193Ile (NM_001083602.3); c.3773C>T, p.Thr1258Ile (NM_001083603.3); c.3776C>T (NM_000264.3); short protein forms T1108I, T1193I, T1258I, T1259I, T1207I.
Identifiers: ClinVar variation 1507914 (VCV001507914.9), dbSNP rs2136597007, ClinGen allele CA374110959.